The following is an entry in ClinVar:

NM_002470.4(MYH3):c.2867A>C (p.Asp956Ala)

Gene: MYH3 (myosin heavy chain 3; minus strand). Cytogenetic location: 17p13.1.
Variant type: single nucleotide variant.
Coding change: c.2867A>C on transcript NM_002470.4 (MANE Select); coding-DNA position 2867, A replaced by C.
Protein change: p.Asp956Ala; replaces aspartic acid 956 with alanine.
Molecular consequence: missense variant.
Genome position (GRCh38, 1-based): chr17:10,639,618, T>G on the plus strand (A>C on the coding strand, the complement: MYH3 is on the minus strand). VCF-style: chr17-10639618-T-G. GRCh37 (hg19) VCF-style: chr17-10542935-T-G.
Other names: short protein forms D956A.
Identifiers: ClinVar variation 2293655 (VCV002293655.3), dbSNP rs1436860220, ClinGen allele CA398156935.

ClinVar aggregate classification (germline): Uncertain significance. Review status: criteria provided, single submitter (1 of 4 stars). 2 submissions from 2 submitters: Uncertain significance (1). 1 of the submissions does not count toward it. Last evaluated 2022-06-03.

Conditions:
Inborn genetic diseases. Identifiers: MedGen C0950123, MeSH D030342.
MYH3-related disorder. Also called: MYH3-Related Disorders; MYH3-related condition. Identifiers: MedGen CN239329.

gnomAD v4.1: 3 of 1,614,068 alleles (0.00019%); highest among the groups gnomAD compares: Admixed American, 0.005%; no homozygotes.

Submissions (2):

Ambry Genetics
Classification: Uncertain significance for Inborn genetic diseases. Last evaluated: 2022-06-03. Review status: criteria provided, single submitter. Criteria: Ambry Variant Classification Scheme 2023. Collection method: clinical testing. Allele origin: germline.

PreventionGenetics, part of Exact Sciences
Classification: Uncertain significance for MYH3-related condition. Last evaluated: 2024-05-17. Review status: no assertion criteria provided. Collection method: clinical testing. Allele origin: germline. Not counted in ClinVar's aggregate classification.
Comment: The MYH3 c.2867A>C variant is predicted to result in the amino acid substitution p.Asp956Ala. To our knowledge, this variant has not been reported in the literature or in a large population database, indicating this variant is rare. At this time, the clinical significance of this variant is uncertain due to the absence of conclusive functional and genetic evidence.